The following is an entry in ClinVar:

NM_001195248.2(APTX):c.484-12T>G

Gene: APTX (aprataxin; minus strand). Cytogenetic location: 9p21.1.
Variant type: single nucleotide variant.
Coding change: c.484-12T>G on transcript NM_001195248.2 (MANE Select); 12 bases into the intron before coding-DNA position 484, T replaced by G.
Molecular consequence: intron variant.
Genome position (GRCh38, 1-based): chr9:32,986,042, A>C on the plus strand (T>G on the coding strand, the complement: APTX is on the minus strand). VCF-style: chr9-32986042-A-C. GRCh37 (hg19) VCF-style: chr9-32986040-A-C.
Other names: c.322-12T>G (NM_001369001.1, NM_001369000.1, NM_001195250.2 and 1 more transcripts); c.484-12T>G (NM_001368996.1, NM_001368995.1, NM_001368997.1 and 6 more transcripts); c.220-12T>G (NM_001369002.1, NM_001369003.1, NM_001369004.1 and 5 more transcripts); c.268-12T>G (NM_001195252.2).
Identifiers: ClinVar variation 366593 (VCV000366593.21), dbSNP rs1981011, ClinGen allele CA5022421.

ClinVar aggregate classification (germline): Benign/Likely benign. Review status: criteria provided, multiple submitters, no conflicts (2 of 4 stars). 8 submissions from 8 submitters: Benign (5); Likely benign (1). 2 of the submissions do not count toward it. Last evaluated 2026-02-03.

Conditions:
Ataxia, early-onset, with oculomotor apraxia and hypoalbuminemia (EAOH). Also called: ATAXIA-OCULOMOTOR APRAXIA SYNDROME; ATAXIA-TELANGIECTASIA-LIKE SYNDROME; Ataxia-oculomotor apraxia type 1. Identifiers: Orphanet 1168, MedGen C1859598, MONDO:0008842, OMIM 208920.

Submissions (28):

Labcorp Genetics (formerly Invitae), Labcorp
Classification: Benign. Last evaluated: 2026-02-03. Review status: criteria provided, single submitter. Criteria: Invitae Variant Classification Sherloc (09022015). Collection method: clinical testing. Allele origin: germline.

Blueprint Genetics
Classification: Likely benign. Last evaluated: 2024-11-27. Review status: criteria provided, single submitter. Criteria: ACMG Guidelines, 2015. Collection method: clinical testing. Allele origin: germline.

Unidad de Genómica Garrahan, Hospital de Pediatría Garrahan
Classification: Benign. Last evaluated: 2024-07-31. Review status: criteria provided, single submitter. Criteria: ACMG Guidelines, 2015. Collection method: clinical testing. Allele origin: germline. Affected: no. Observed: 34 variant alleles.
Comment: This variant is classified as Benign based on local population frequency. This variant was detected in 37% of patients studied in a panel designed for Epileptic and Developmental Encephalopathy, Progressive Myoclonus Epilepsy and Abnormal Movements and Neurodegeneration with brain iron accumulation. Number of patients: 34. Only high quality variants are reported.

GeneDx
Classification: Benign. Last evaluated: 2019-11-08. Review status: criteria provided, single submitter. Criteria: GeneDx Variant Classification Process June 2021. Collection method: clinical testing. Allele origin: germline. Affected: yes.

Illumina Laboratory Services, Illumina
Classification: Benign for Ataxia, early-onset, with oculomotor apraxia and hypoalbuminemia. Last evaluated: 2018-01-12. Review status: criteria provided, single submitter. Criteria: ICSL Variant Classification Criteria 13 December 2019. Collection method: clinical testing. Allele origin: germline.
Comment: This variant was observed in the ICSL laboratory as part of a predisposition screen in an ostensibly healthy population. It had not been previously curated by ICSL or reported in the Human Gene Mutation Database (HGMD: prior to June 1st, 2018), and was therefore a candidate for classification through an automated scoring system. Utilizing variant allele frequency, disease prevalence and penetrance estimates, and inheritance mode, an automated score was calculated to assess if this variant is too frequent to cause the disease. Based on the score and internal cut-off values, a variant classified as benign is not then subjected to further curation. The score for this variant resulted in a classification of benign for this disease.

Breakthrough Genomics
Classification: Benign. Review status: criteria provided, single submitter. Criteria: ACMG Guidelines, 2015. Collection method: not provided. Allele origin: germline. Inheritance: Autosomal recessive inheritance. Affected: yes.

Clinical Genetics, Academic Medical Center
Classification: Benign. Review status: no assertion criteria provided. Collection method: clinical testing. Allele origin: germline. Affected: yes. Study: VKGL Data-share Consensus. Not counted in ClinVar's aggregate classification.

Dr. Peter K. Rogan Lab, Western University
No classification provided (evidence only). Condition: Malignant tumor of urinary bladder. Review status: no classification provided. Collection method: in vitro. Allele origin: not applicable. Functional consequence: retained intron. Not counted in ClinVar's aggregate classification.

Dr. Peter K. Rogan Lab, Western University
No classification provided (evidence only). Condition: Familial cancer of breast. Review status: no classification provided. Collection method: in vitro. Allele origin: not applicable. Functional consequence: retained intron. Not counted in ClinVar's aggregate classification.

Dr. Peter K. Rogan Lab, Western University
No classification provided (evidence only). Condition: Familial cancer of breast. Review status: no classification provided. Collection method: in vitro. Allele origin: not applicable. Functional consequence: retained intron. Not counted in ClinVar's aggregate classification.

Dr. Peter K. Rogan Lab, Western University
No classification provided (evidence only). Condition: Familial cancer of breast. Review status: no classification provided. Collection method: in vitro. Allele origin: not applicable. Functional consequence: retained intron. Not counted in ClinVar's aggregate classification.

Dr. Peter K. Rogan Lab, Western University
No classification provided (evidence only). Condition: Familial cancer of breast. Review status: no classification provided. Collection method: in vitro. Allele origin: not applicable. Functional consequence: retained intron. Not counted in ClinVar's aggregate classification.

Dr. Peter K. Rogan Lab, Western University
No classification provided (evidence only). Condition: Familial cancer of breast. Review status: no classification provided. Collection method: in vitro. Allele origin: not applicable. Functional consequence: retained intron. Not counted in ClinVar's aggregate classification.

Dr. Peter K. Rogan Lab, Western University
No classification provided (evidence only). Condition: Familial cancer of breast. Review status: no classification provided. Collection method: in vitro. Allele origin: not applicable. Functional consequence: retained intron. Not counted in ClinVar's aggregate classification.

Dr. Peter K. Rogan Lab, Western University
No classification provided (evidence only). Condition: Familial cancer of breast. Review status: no classification provided. Collection method: in vitro. Allele origin: not applicable. Functional consequence: retained intron. Not counted in ClinVar's aggregate classification.

Dr. Peter K. Rogan Lab, Western University
No classification provided (evidence only). Condition: Familial cancer of breast. Review status: no classification provided. Collection method: in vitro. Allele origin: not applicable. Functional consequence: retained intron. Not counted in ClinVar's aggregate classification.

Dr. Peter K. Rogan Lab, Western University
No classification provided (evidence only). Condition: Hepatocellular carcinoma. Review status: no classification provided. Collection method: in vitro. Allele origin: not applicable. Functional consequence: retained intron. Not counted in ClinVar's aggregate classification.

Dr. Peter K. Rogan Lab, Western University
No classification provided (evidence only). Condition: Thymoma. Review status: no classification provided. Collection method: in vitro. Allele origin: not applicable. Functional consequence: retained intron. Not counted in ClinVar's aggregate classification.

Dr. Peter K. Rogan Lab, Western University
No classification provided (evidence only). Condition: Chronic lymphocytic leukemia/small lymphocytic lymphoma. Review status: no classification provided. Collection method: in vitro. Allele origin: not applicable. Functional consequence: retained intron. Not counted in ClinVar's aggregate classification.

Dr. Peter K. Rogan Lab, Western University
No classification provided (evidence only). Condition: Chronic lymphocytic leukemia/small lymphocytic lymphoma. Review status: no classification provided. Collection method: in vitro. Allele origin: not applicable. Functional consequence: retained intron. Not counted in ClinVar's aggregate classification.

Dr. Peter K. Rogan Lab, Western University
No classification provided (evidence only). Condition: Chronic lymphocytic leukemia/small lymphocytic lymphoma. Review status: no classification provided. Collection method: in vitro. Allele origin: not applicable. Functional consequence: retained intron. Not counted in ClinVar's aggregate classification.

Dr. Peter K. Rogan Lab, Western University
No classification provided (evidence only). Condition: Chronic lymphocytic leukemia/small lymphocytic lymphoma. Review status: no classification provided. Collection method: in vitro. Allele origin: not applicable. Functional consequence: retained intron. Not counted in ClinVar's aggregate classification.

Dr. Peter K. Rogan Lab, Western University
No classification provided (evidence only). Condition: Chronic lymphocytic leukemia/small lymphocytic lymphoma. Review status: no classification provided. Collection method: in vitro. Allele origin: not applicable. Functional consequence: retained intron. Not counted in ClinVar's aggregate classification.

Dr. Peter K. Rogan Lab, Western University
No classification provided (evidence only). Condition: Chronic lymphocytic leukemia/small lymphocytic lymphoma. Review status: no classification provided. Collection method: in vitro. Allele origin: not applicable. Functional consequence: retained intron. Not counted in ClinVar's aggregate classification.

Dr. Peter K. Rogan Lab, Western University
No classification provided (evidence only). Condition: Chronic lymphocytic leukemia/small lymphocytic lymphoma. Review status: no classification provided. Collection method: in vitro. Allele origin: not applicable. Functional consequence: retained intron. Not counted in ClinVar's aggregate classification.

Dr. Peter K. Rogan Lab, Western University
No classification provided (evidence only). Condition: Chronic lymphocytic leukemia/small lymphocytic lymphoma. Review status: no classification provided. Collection method: in vitro. Allele origin: not applicable. Functional consequence: retained intron. Not counted in ClinVar's aggregate classification.

Dr. Peter K. Rogan Lab, Western University
No classification provided (evidence only). Condition: Lymphoma. Review status: no classification provided. Collection method: in vitro. Allele origin: not applicable. Functional consequence: skipped exon. Not counted in ClinVar's aggregate classification.

Genome Diagnostics Laboratory, University Medical Center Utrecht
Classification: Benign. Review status: no assertion criteria provided. Collection method: clinical testing. Allele origin: germline. Affected: yes. Study: VKGL Data-share Consensus. Not counted in ClinVar's aggregate classification.